The following is an entry in ClinVar:

NM_004006.3(DMD):c.1773A>C (p.Lys591Asn)

Gene: DMD (dystrophin; minus strand). Cytogenetic location: Xp21.1.
Variant type: single nucleotide variant.
Coding change: c.1773A>C on transcript NM_004006.3 (MANE Select); coding-DNA position 1773, A replaced by C.
Protein change: p.Lys591Asn; replaces lysine 591 with asparagine.
Molecular consequence: missense variant.
Genome position (GRCh38, 1-based): chrX:32,573,569, T>G on the plus strand (A>C on the coding strand, the complement: DMD is on the minus strand). VCF-style: chrX-32573569-T-G. GRCh37 (hg19) VCF-style: chrX-32591686-T-G.
Other names: c.1749A>C, p.Lys583Asn (NM_000109.4); c.1761A>C, p.Lys587Asn (NM_004009.3); c.1404A>C, p.Lys468Asn (NM_004010.3); short protein forms K468N, K583N, K587N, K591N.
Identifiers: ClinVar variation 4800982 (VCV004800982.1).

ClinVar aggregate classification (germline): Uncertain significance (1 of 4 stars; one submission).

Conditions:
Duchenne muscular dystrophy (DMD). Also called: Duchenne Muscular Dystrophy (DMD); MUSCULAR DYSTROPHY, PSEUDOHYPERTROPHIC PROGRESSIVE, DUCHENNE TYPE. Identifiers: Orphanet 98896, MedGen C0013264, MONDO:0010679, OMIM 310200.

Submission:

Labcorp Genetics (formerly Invitae), Labcorp
Classification: Uncertain significance for Duchenne muscular dystrophy. Last evaluated: 2025-08-20. Review status: criteria provided, single submitter. Criteria: Invitae Variant Classification Sherloc (09022015). Collection method: clinical testing. Allele origin: germline.
Comment: This sequence change replaces lysine, which is basic and polar, with asparagine, which is neutral and polar, at codon 591 of the DMD protein (p.Lys591Asn). This variant is not present in population databases (gnomAD no frequency). This variant has not been reported in the literature in individuals affected with DMD-related conditions. Invitae Evidence Modeling of protein sequence and biophysical properties (such as structural, functional, and spatial information, amino acid conservation, physicochemical variation, residue mobility, and thermodynamic stability) indicates that this missense variant is not expected to disrupt DMD protein function with a negative predictive value of 95%. In summary, the available evidence is currently insufficient to determine the role of this variant in disease. Therefore, it has been classified as a Variant of Uncertain Significance.